The following is an entry in ClinVar:

ClinVar aggregate classification (germline): Uncertain significance. Review status: criteria provided, multiple submitters, no conflicts (2 of 4 stars). 4 submissions from 4 submitters: Uncertain significance (3). 1 of the submissions does not count toward it. Last evaluated 2026-01-21.

Conditions:
Decreased circulating carnitine concentration. Also called: Decreased plasma carnitine. Identifiers: MedGen C5848230, HP:0003234.
Inborn genetic diseases. Identifiers: MedGen C0950123, MeSH D030342.
Renal carnitine transport defect (CDSP). Also called: Systemic primary carnitine deficiency; Carnitine transporter deficiency; Carnitine Deficiency, Systemic; Primary carnitine deficiency; CARNITINE DEFICIENCY, SYSTEMIC, DUE TO DEFECT IN RENAL REABSORPTION OF CARNITINE; CARNITINE TRANSPORTER, PLASMA-MEMBRANE, DEFICIENCY OF. Identifiers: Orphanet 158, MedGen C0342788, MONDO:0008919, OMIM 212140.

Allele frequency attached by ClinVar (database versions not stated): gnomAD exomes 0.00001.
gnomAD v4.1: 8 of 1,587,304 alleles (0.0005%); highest among the groups gnomAD compares: Non-Finnish European, 0.00051%; no homozygotes.

Submissions (4):

Ambry Genetics
Classification: Uncertain significance for Inborn genetic diseases. Last evaluated: 2026-01-21. Review status: criteria provided, single submitter. Criteria: Ambry Variant Classification Scheme 2023. Collection method: clinical testing. Allele origin: germline.

Labcorp Genetics (formerly Invitae), Labcorp
Classification: Uncertain significance for Renal carnitine transport defect. Last evaluated: 2022-09-27. Review status: criteria provided, single submitter. Criteria: Invitae Variant Classification Sherloc (09022015). Collection method: clinical testing. Allele origin: germline.
Comment: This sequence change replaces arginine, which is basic and polar, with serine, which is neutral and polar, at codon 82 of the SLC22A5 protein (p.Arg82Ser). This variant is present in population databases (no rsID available, gnomAD 0.001%). This variant has not been reported in the literature in individuals affected with SLC22A5-related conditions. ClinVar contains an entry for this variant (Variation ID: 965109). Advanced modeling of protein sequence and biophysical properties (such as structural, functional, and spatial information, amino acid conservation, physicochemical variation, residue mobility, and thermodynamic stability) performed at Invitae indicates that this missense variant is not expected to disrupt SLC22A5 protein function. In summary, the available evidence is currently insufficient to determine the role of this variant in disease. Therefore, it has been classified as a Variant of Uncertain Significance.

Fulgent Genetics
Classification: Uncertain significance for Renal carnitine transport defect. Last evaluated: 2021-10-28. Review status: criteria provided, single submitter. Criteria: ACMG Guidelines, 2015. Collection method: clinical testing. Allele origin: unknown.

Natera, Inc.
Classification: Uncertain significance for Carnitine deficiency. Last evaluated: 2020-03-24. Review status: no assertion criteria provided. Collection method: clinical testing. Allele origin: germline. Not counted in ClinVar's aggregate classification.

NM_003060.4(SLC22A5):c.244C>A (p.Arg82Ser)

Gene: SLC22A5 (solute carrier family 22 member 5; plus strand). Cytogenetic location: 5q31.1.
Variant type: single nucleotide variant.
Coding change: c.244C>A on transcript NM_003060.4 (MANE Select); coding-DNA position 244, C replaced by A.
Protein change: p.Arg82Ser; replaces arginine 82 with serine.
Molecular consequence: missense variant.
Genome position (GRCh38, 1-based): chr5:132,370,216, C>A. VCF-style: chr5-132370216-C-A. GRCh37 (hg19) VCF-style: chr5-131705908-C-A.
Other names: c.244C>A, p.Arg82Ser (NM_001308122.2); short protein forms R82S.
Identifiers: ClinVar variation 965109 (VCV000965109.10), dbSNP rs955061461, ClinGen allele CA127196523.